The following is an entry in ClinVar:

ClinVar aggregate classification (germline): Uncertain significance (1 of 4 stars; one submission).

Conditions:
Myopathy, proximal, and ophthalmoplegia (CMYO6). Also called: CONGENITAL MYOPATHY 6 WITH OPHTHALMOPLEGIA; MYOPATHY WITH CONGENITAL JOINT CONTRACTURES, OPHTHALMOPLEGIA, AND RIMMED VACUOLES; INCLUSION BODY MYOPATHY 3, AUTOSOMAL DOMINANT. Identifiers: Orphanet 363677, Orphanet 79091, MedGen C1854106, MONDO:0011577, OMIM 605637.

Submission:

Labcorp Genetics (formerly Invitae), Labcorp
Classification: Uncertain significance for Myopathy, proximal, and ophthalmoplegia. Last evaluated: 2025-07-07. Review status: criteria provided, single submitter. Criteria: Invitae Variant Classification Sherloc (09022015). Collection method: clinical testing. Allele origin: germline.
Comment: This sequence change replaces leucine, which is neutral and non-polar, with valine, which is neutral and non-polar, at codon 304 of the MYH2 protein (p.Leu304Val). This variant is present in population databases (no rsID available, gnomAD 0.006%). This variant has not been reported in the literature in individuals affected with MYH2-related conditions. Invitae Evidence Modeling of protein sequence and biophysical properties (such as structural, functional, and spatial information, amino acid conservation, physicochemical variation, residue mobility, and thermodynamic stability) indicates that this missense variant is expected to disrupt MYH2 protein function with a positive predictive value of 80%. In summary, the available evidence is currently insufficient to determine the role of this variant in disease. Therefore, it has been classified as a Variant of Uncertain Significance.

NM_017534.6(MYH2):c.910C>G (p.Leu304Val)

Genes: MYHAS (myosin heavy chain gene cluster antisense RNA; plus strand), MYH2 (myosin heavy chain 2; minus strand). Cytogenetic location: 17p13.1.
Variant type: single nucleotide variant.
Coding change: c.910C>G on transcript NM_017534.6 (MANE Select); coding-DNA position 910, C replaced by G.
Protein change: p.Leu304Val; replaces leucine 304 with valine.
Molecular consequence: missense variant.
Genome position (GRCh38, 1-based): chr17:10,540,692, G>C on the plus strand (C>G on the coding strand, the complement: MYH2 is on the minus strand). VCF-style: chr17-10540692-G-C. GRCh37 (hg19) VCF-style: chr17-10444009-G-C.
Other names: c.910C>G, p.Leu304Val (NM_001100112.2); short protein forms L304V.
Identifiers: ClinVar variation 4703487 (VCV004703487.1).
Genomic context (GRCh38, chr17:10,540,692, plus strand): 5'-CCACACTGATCTCCCCTTGACTGACAAATGGGTAATCATATGGGTTCGTGGTAATCAGAA[G>C]CATTTCTAAGTACAGGAAACAGAACAAAGATAAACATAATTATCTTCTTCATTAAAACAA-3'
Protein context (NP_060004.3, residues 294-314): SNKKPELIEM[Leu304Val]LITTNPYDYP